The following is an entry in ClinVar:

NM_017763.6(RNF43):c.2151_2152del (p.Cys718fs)

Gene: RNF43 (ring finger protein 43; minus strand). Cytogenetic location: 17q22.
Variant type: Deletion.
Coding change: c.2151_2152del on transcript NM_017763.6 (MANE Select); coding-DNA positions 2151 to 2152, 2 bases deleted (CT; older notation c.2151_2152delCT).
Protein change: p.Cys718fs; shifts the reading frame from cysteine 718.
Molecular consequence: frameshift variant.
Genome position (GRCh38, 1-based): chr17:58,357,624-58,357,625, AG deleted on the plus strand (CT on the coding strand, the reverse complement: RNF43 is on the minus strand). VCF-style (leftmost placement, unchanged base first): chr17-58357623-CAG-C. GRCh37 (hg19) VCF-style: chr17-56434984-CAG-C.
Other names: c.2151_2152delCT, p.Cys718Leufs (NM_001305544.3); c.1770_1771delCT, p.Cys591Leufs (NM_001305545.2); short protein forms C591fs, C718fs.
Identifiers: ClinVar variation 3605604 (VCV003605604.2).
Genomic context (GRCh38, chr17:58,357,623, plus strand): 5'-TGTGGTTCCAGGGGCTGGCGAGGAGTCAGGCACAACCACACTGGCTGTGAATTTGAGTAA[CAG>C]GGGCCTGGGGTTTCTGGTAGCAGCCTCTTGTCCAGGCCTGGAGGTCCACAGATCAAGGGG-3'

ClinVar aggregate classification (germline): Uncertain significance (1 of 4 stars; one submission).

Submission:

Labcorp Genetics (formerly Invitae), Labcorp
Classification: Uncertain significance. Last evaluated: 2025-06-27. Review status: criteria provided, single submitter. Criteria: Invitae Variant Classification Sherloc (09022015). Collection method: clinical testing. Allele origin: germline.
Comment: This sequence change creates a premature translational stop signal (p.Cys718Leufs*28) in the RNF43 gene. It is expected to result in an absent or disrupted protein product. However, the current clinical and genetic evidence is not sufficient to establish whether loss-of-function variants in RNF43 cause disease. This variant is present in population databases (no rsID available, gnomAD 0.006%). This variant has not been reported in the literature in individuals affected with RNF43-related conditions. ClinVar contains an entry for this variant (Variation ID: 3605604). In summary, the available evidence is currently insufficient to determine the role of this variant in disease. Therefore, it has been classified as a Variant of Uncertain Significance.